The following is an entry in ClinVar:

ClinVar aggregate classification (germline): Uncertain significance (1 of 4 stars; one submission).

gnomAD v4.1: 14 of 1,613,866 alleles (0.00087%); highest among the groups gnomAD compares: South Asian, 0.0033%; no homozygotes.

Submission:

Labcorp Genetics (formerly Invitae), Labcorp
Classification: Uncertain significance. Last evaluated: 2025-05-07. Review status: criteria provided, single submitter. Criteria: Invitae Variant Classification Sherloc (09022015). Collection method: clinical testing. Allele origin: germline.
Comment: This sequence change replaces glutamic acid, which is acidic and polar, with lysine, which is basic and polar, at codon 2048 of the CACNA1D protein (p.Glu2048Lys). This variant is present in population databases (rs771286149, gnomAD 0.006%). This variant has not been reported in the literature in individuals affected with CACNA1D-related conditions. ClinVar contains an entry for this variant (Variation ID: 3691094). An algorithm developed to predict the effect of missense changes on protein structure and function (PolyPhen-2) suggests that this variant is likely to be tolerated. In summary, the available evidence is currently insufficient to determine the role of this variant in disease. Therefore, it has been classified as a Variant of Uncertain Significance.

NM_001128840.3(CACNA1D):c.6082G>A (p.Glu2028Lys)

Gene: CACNA1D (calcium voltage-gated channel subunit alpha1 D; plus strand). Cytogenetic location: 3p21.1.
Variant type: single nucleotide variant.
Coding change: c.6082G>A on transcript NM_001128840.3 (MANE Select); coding-DNA position 6082, G replaced by A.
Protein change: p.Glu2028Lys; replaces glutamic acid 2028 with lysine.
Molecular consequence: missense variant.
Genome position (GRCh38, 1-based): chr3:53,810,188, G>A. VCF-style: chr3-53810188-G-A. GRCh37 (hg19) VCF-style: chr3-53844215-G-A.
Other names: c.6142G>A, p.Glu2048Lys (NM_000720.4); c.6010G>A, p.Glu2004Lys (NM_001128839.3); short protein forms E2028K, E2048K, E2004K.
Identifiers: ClinVar variation 3691094 (VCV003691094.2).